The following is an entry in ClinVar:

NM_015275.3(WASHC4):c.3339G>A (p.Leu1113=)

Gene: WASHC4 (WASH complex subunit 4; plus strand). Cytogenetic location: 12q23.3.
Variant type: single nucleotide variant.
Coding change: c.3339G>A on transcript NM_015275.3 (MANE Select); coding-DNA position 3339, G replaced by A.
Protein change: p.Leu1113=; no amino-acid change (leucine 1113 retained).
Molecular consequence: synonymous variant.
Genome position (GRCh38, 1-based): chr12:105,164,292, G>A. VCF-style: chr12-105164292-G-A. GRCh37 (hg19) VCF-style: chr12-105558070-G-A.
Other names: c.3342G>A, p.Leu1114= (NM_001293640.2).
Identifiers: ClinVar variation 796868 (VCV000796868.6), dbSNP rs755298440, ClinGen allele CA6759213.
Genomic context (GRCh38, chr12:105,164,292, plus strand): 5'-ACAGTCAGCCAGTCAAGATGAAAAACTCTTACAAACCATGAATCTCACTCAGAAGCGACT[G>A]GATGTCTATCTACAGGTAGAGAGGAGCCTAAGAGTCACATCTGCTTTGACTTACCATTTG-3'
Protein context (NP_056090.1, residues 1103-1123): LQTMNLTQKR[Leu1113=]DVYLQEFELL

ClinVar aggregate classification (germline): Likely benign. Review status: criteria provided, single submitter (1 of 4 stars). 2 submissions from 2 submitters: Likely benign (1). 1 of the submissions does not count toward it. Last evaluated 2019-12-31.

Conditions:
WASHC4-related disorder. Also called: WASHC4-related condition.

Allele frequency attached by ClinVar (database versions not stated): gnomAD exomes below 0.00001 and 0.00001; ExAC 0.00002; TOPMed 0.00003; gnomAD 0.00004.
gnomAD v4.1: 10 of 1,613,604 alleles (0.00062%); highest among the groups gnomAD compares: East Asian, 0.011%; no homozygotes.

Submissions (2):

Labcorp Genetics (formerly Invitae), Labcorp
Classification: Likely benign. Last evaluated: 2019-12-31. Review status: criteria provided, single submitter. Criteria: Invitae Variant Classification Sherloc (09022015). Collection method: clinical testing. Allele origin: germline.

PreventionGenetics, part of Exact Sciences
Classification: Likely benign for WASHC4-related condition. Last evaluated: 2019-05-28. Review status: no assertion criteria provided. Collection method: clinical testing. Allele origin: germline. Not counted in ClinVar's aggregate classification.
Comment: This variant is classified as likely benign based on ACMG/AMP sequence variant interpretation guidelines (Richards et al. 2015 PMID: 25741868, with internal and published modifications).